The following is an entry in ClinVar:

ClinVar aggregate classification (germline): Uncertain significance (1 of 4 stars; one submission).

Submission:

Ambry Genetics
Classification: Uncertain significance. Last evaluated: 2024-06-29. Review status: criteria provided, single submitter. Criteria: Ambry Variant Classification Scheme 2023. Collection method: clinical testing. Allele origin: germline.
Comment: The p.S1104Y variant (also known as c.3311C>A), located in coding exon 17 of the NPAT gene, results from a C to A substitution at nucleotide position 3311. The serine at codon 1104 is replaced by tyrosine, an amino acid with dissimilar properties. This amino acid position is conserved. In addition, this alteration is predicted to be tolerated by in silico analysis. Based on the available evidence, the clinical significance of this variant remains unclear.

NM_002519.3(NPAT):c.3311C>A (p.Ser1104Tyr)

Gene: NPAT (nuclear protein, coactivator of histone transcription; minus strand). Cytogenetic location: 11q22.3.
Variant type: single nucleotide variant.
Coding change: c.3311C>A on transcript NM_002519.3 (MANE Select); coding-DNA position 3311, C replaced by A.
Protein change: p.Ser1104Tyr; replaces serine 1104 with tyrosine.
Molecular consequence: missense variant.
Genome position (GRCh38, 1-based): chr11:108,161,775, G>T on the plus strand (C>A on the coding strand, the complement: NPAT is on the minus strand). VCF-style: chr11-108161775-G-T. GRCh37 (hg19) VCF-style: chr11-108032502-G-T.
Other names: c.3332C>A, p.Ser1111Tyr (NM_001321307.1); short protein forms S1111Y, S1104Y.
Identifiers: ClinVar variation 3407164 (VCV003407164.1).